The following is an entry in ClinVar:

ClinVar aggregate classification (germline): Uncertain significance (0 of 4 stars; one submission).

Conditions:
GATA4-related disorder. Also called: GATA4-related condition. Identifiers: MedGen CN860321.

gnomAD v4.1: 4 of 1,555,358 alleles (0.00026%); highest among the groups gnomAD compares: East Asian, 0.0094%; no homozygotes.

Submission:

PreventionGenetics, part of Exact Sciences
Classification: Uncertain significance for GATA4-related condition. Last evaluated: 2024-09-26. Review status: no assertion criteria provided. Collection method: clinical testing. Allele origin: germline.
Comment: The GATA4 c.67C>A variant is predicted to result in the amino acid substitution p.Pro23Thr. To our knowledge, this variant has not been reported in the literature or in a large population database, indicating this variant is rare. At this time, the clinical significance of this variant is uncertain due to the absence of conclusive functional and genetic evidence.

NM_001308093.3(GATA4):c.67C>A (p.Pro23Thr)

Gene: GATA4 (GATA binding protein 4). Cytogenetic location: 8p23.1.
Variant type: single nucleotide variant.
Coding change: c.67C>A on transcript NM_001308093.3 (MANE Select); coding-DNA position 67, C replaced by A.
Protein change: p.Pro23Thr; replaces proline 23 with threonine.
Molecular consequence: missense variant. On other transcripts: intron variant (3).
Genome position (GRCh38, 1-based): chr8:11,708,379, C>A. VCF-style: chr8-11708379-C-A. GRCh37 (hg19) VCF-style: chr8-11565888-C-A.
Other names: c.67C>A, p.Pro23Thr (NM_002052.5); c.-6+7601C>A (NM_001308094.2); c.-3+365C>A (NM_001374274.1); c.-3+4075C>A (NM_001374273.1); short protein forms P23T.
Identifiers: ClinVar variation 3348112 (VCV003348112.1).